The following is an entry in ClinVar:

NM_181303.2(NLGN3):c.633del (p.Ser210_Tyr211insTer)

Gene: NLGN3 (neuroligin 3; plus strand). Cytogenetic location: Xq13.1.
Variant type: Deletion.
Coding change: c.633del on transcript NM_181303.2 (MANE Select); coding-DNA position 633, one base deleted (C; older notation c.633delC).
Protein change: p.Ser210_Tyr211insTer.
Molecular consequence: nonsense.
Genome position (GRCh38, 1-based): chrX:71,155,269, C deleted. VCF-style (leftmost placement, unchanged base first): chrX-71155268-AC-A. GRCh37 (hg19) VCF-style: chrX-70375118-AC-A.
Other names: c.513del, p.Ser170_Tyr171insTer (NM_001166660.2); c.222del, p.Ser73_Tyr74insTer (NM_001321276.2); c.573del, p.Ser190_Tyr191insTer (NM_018977.4).
Identifiers: ClinVar variation 3360588 (VCV003360588.1).

ClinVar aggregate classification (germline): Uncertain significance (1 of 4 stars; one submission).

Submission:

GeneDx
Classification: Uncertain significance. Last evaluated: 2023-06-29. Review status: criteria provided, single submitter. Criteria: GeneDx Variant Classification Process June 2021. Collection method: clinical testing. Allele origin: germline. Affected: yes.
Comment: Not observed at significant frequency in large population cohorts (gnomAD); Nonsense variant predicted to result in protein truncation or nonsense mediated decay in a gene or region of a gene for which loss of function is not a well-established mechanism of disease; Has not been previously published as pathogenic or benign to our knowledge